The following is an entry in ClinVar:

NM_198525.3(KIF7):c.1296_1297delinsAA (p.Pro433Thr)

Gene: KIF7 (kinesin family member 7; minus strand). Cytogenetic location: 15q26.1.
Variant type: Indel.
Coding change: c.1296_1297delinsAA on transcript NM_198525.3 (MANE Select); coding-DNA positions 1296 to 1297, GC replaced by AA.
Protein change: p.Pro433Thr; replaces proline 433 with threonine.
Molecular consequence: missense variant.
Genome position (GRCh38, 1-based): chr15:89,648,401-89,648,402, GC replaced by TT on the plus strand (GC replaced by AA on the coding strand, the reverse complement: KIF7 is on the minus strand). VCF-style: chr15-89648401-GC-TT. GRCh37 (hg19) VCF-style: chr15-90191632-GC-TT.
Other names: short protein forms P433T.
Identifiers: ClinVar variation 591560 (VCV000591560.6), dbSNP rs1567067173, ClinGen allele CA891863119.

ClinVar aggregate classification (germline): Uncertain significance. Review status: criteria provided, single submitter (1 of 4 stars). 2 submissions from 2 submitters: Uncertain significance (1). 1 of the submissions does not count toward it. Last evaluated 2024-12-16.

Conditions:
Acrocallosal syndrome (ACLS). Also called: HALLUX DUPLICATION, POSTAXIAL POLYDACTYLY, AND ABSENCE OF CORPUS CALLOSUM; Schinzel syndrome 1; Absence of corpus callosum with unusual facial appearance, mental deficiency, duplication of the halluces and polydactyly. Identifiers: Orphanet 36, MedGen C0796147, MONDO:0008708, OMIM 200990.

Submissions (2):

Labcorp Genetics (formerly Invitae), Labcorp
Classification: Uncertain significance for Acrocallosal syndrome. Last evaluated: 2024-12-16. Review status: criteria provided, single submitter. Criteria: Invitae Variant Classification Sherloc (09022015). Collection method: clinical testing. Allele origin: germline.
Comment: This sequence change replaces proline, which is neutral and non-polar, with threonine, which is neutral and polar, at codon 433 of the KIF7 protein (p.Pro433Thr). Information on the frequency of this variant in the gnomAD database is not available, as this variant may be reported differently in the database. This variant has not been reported in the literature in individuals affected with KIF7-related conditions. ClinVar contains an entry for this variant (Variation ID: 591560). Experimental studies and prediction algorithms are not available or were not evaluated, and the functional significance of this variant is currently unknown. In summary, the available evidence is currently insufficient to determine the role of this variant in disease. Therefore, it has been classified as a Variant of Uncertain Significance.

Gharavi Laboratory, Columbia University
Classification: Uncertain significance. Last evaluated: 2018-09-16. Review status: no assertion criteria provided. Criteria: ACMG Guidelines, 2015. Collection method: research. Allele origin: germline. Affected: yes. Not counted in ClinVar's aggregate classification.